The following is an entry in ClinVar:

NM_000062.3(SERPING1):c.322C>T (p.Gln108Ter)

Gene: SERPING1 (serpin family G member 1; plus strand). Cytogenetic location: 11q12.1.
Variant type: single nucleotide variant.
Coding change: c.322C>T on transcript NM_000062.3 (MANE Select); coding-DNA position 322, C replaced by T.
Protein change: p.Gln108Ter; replaces glutamine 108 with a stop codon.
Molecular consequence: nonsense.
Genome position (GRCh38, 1-based): chr11:57,600,149, C>T. VCF-style: chr11-57600149-C-T. GRCh37 (hg19) VCF-style: chr11-57367622-C-T.
Other names: c.322C>T, p.Gln108Ter (NM_001032295.2); short protein forms Q108*.
Identifiers: ClinVar variation 2735606 (VCV002735606.3), dbSNP rs780799832, ClinGen allele CA380695119.

ClinVar aggregate classification (germline): Pathogenic (1 of 4 stars; one submission).

Submission:

Labcorp Genetics (formerly Invitae), Labcorp
Classification: Pathogenic. Last evaluated: 2024-07-27. Review status: criteria provided, single submitter. Criteria: Invitae Variant Classification Sherloc (09022015). Collection method: clinical testing. Allele origin: germline.
Comment: This sequence change creates a premature translational stop signal (p.Gln108*) in the SERPING1 gene. It is expected to result in an absent or disrupted protein product. Loss-of-function variants in SERPING1 are known to be pathogenic (PMID: 11112899, 24456027). This variant is not present in population databases (gnomAD no frequency). This premature translational stop signal has been observed in individual(s) with hereditary angioedema (PMID: 18758157). For these reasons, this variant has been classified as Pathogenic.

Literature cited by the submitters: PubMed 11112899; PubMed 24456027; PubMed 18758157.